The following is an entry in ClinVar:

NM_000321.3(RB1):c.779G>C (p.Ser260Thr)

Gene: RB1 (RB transcriptional corepressor 1; plus strand). Cytogenetic location: 13q14.2.
Variant type: single nucleotide variant.
Coding change: c.779G>C on transcript NM_000321.3 (MANE Select); coding-DNA position 779, G replaced by C.
Protein change: p.Ser260Thr; replaces serine 260 with threonine.
Molecular consequence: missense variant.
Genome position (GRCh38, 1-based): chr13:48,362,875, G>C. VCF-style: chr13-48362875-G-C. GRCh37 (hg19) VCF-style: chr13-48937011-G-C.
Other names: short protein forms S260T.
Identifiers: ClinVar variation 857200 (VCV000857200.9), dbSNP rs1342634687, ClinGen allele CA388159411.

ClinVar aggregate classification (germline): Uncertain significance (1 of 4 stars; one submission).

Conditions:
Retinoblastoma (RB1). Also called: RETINOBLASTOMA, SOMATIC. Identifiers: Orphanet 790, MedGen C0035335, MeSH D012175, MONDO:0008380, OMIM 180200, HP:0009919. Disease mechanism: loss of function. Inheritance: Both sporadic and heritable forms are tested..

Allele frequency attached by ClinVar (database versions not stated): gnomAD exomes below 0.00001.
gnomAD v4.1: 1 of 1,613,886 alleles (0.000062%); highest among the groups gnomAD compares: South Asian, 0.0011%; no homozygotes.

Submission:

Labcorp Genetics (formerly Invitae), Labcorp
Classification: Uncertain significance for Retinoblastoma. Last evaluated: 2019-02-14. Review status: criteria provided, single submitter. Criteria: Invitae Variant Classification Sherloc (09022015). Collection method: clinical testing. Allele origin: germline.
Comment: Algorithms developed to predict the effect of missense changes on protein structure and function (SIFT, PolyPhen-2, Align-GVGD) all suggest that this variant is likely to be tolerated, but these predictions have not been confirmed by published functional studies and their clinical significance is uncertain. This variant has not been reported in the literature in individuals with RB1-related conditions. In summary, the available evidence is currently insufficient to determine the role of this variant in disease. Therefore, it has been classified as a Variant of Uncertain Significance. This variant is not present in population databases (ExAC no frequency). This sequence change replaces serine with threonine at codon 260 of the RB1 protein (p.Ser260Thr). The serine residue is highly conserved and there is a small physicochemical difference between serine and threonine.